The following is an entry in ClinVar:

ClinVar aggregate classification (germline): Likely benign. Review status: reviewed by expert panel (3 of 4 stars). 3 submissions from 3 submitters: Likely benign (1). 2 of the submissions do not count toward it. Last evaluated 2017-06-29.

Conditions:
Hereditary cancer-predisposing syndrome. Also called: Hereditary Cancer Syndrome; Neoplastic Syndromes, Hereditary; Tumor predisposition; Hereditary neoplastic syndrome. Identifiers: Orphanet 140162, MedGen C0027672, MeSH D009386, MONDO:0015356.
Breast-ovarian cancer, familial, susceptibility to, 2 (BROVCA2). Also called: BRCA2 Hereditary Breast and Ovarian Cancer. Identifiers: Orphanet 145, MedGen C2675520, MONDO:0012933, OMIM 612555. Disease mechanism: loss of function.
Hereditary breast ovarian cancer syndrome. Also called: Hereditary breast and/or ovarian cancer syndrome; BRCA1- and BRCA2-Associated Hereditary Breast and Ovarian Cancer; Hereditary breast and ovarian cancer syndrome (HBOC); Hereditary breast and ovarian cancer; Hereditary breast and ovarian cancer syndrome; Breast and ovarian cancer. Identifiers: Orphanet 145, MedGen C0677776, MeSH D061325, MONDO:0003582. Disease mechanism: loss of function.

Submissions (3):

Evidence-based Network for the Interpretation of Germline Mutant Alleles (ENIGMA)
Classification: Likely benign for Breast-ovarian cancer, familial, susceptibility to, 2. Last evaluated: 2017-06-29. Review status: reviewed by expert panel. Criteria: ENIGMA BRCA1/2 Classification Criteria (2017-06-29). Collection method: curation. Allele origin: germline.
Comment: Synonymous substitution variant, with low bioinformatic likelihood to result in a splicing aberration (Splicing prior probability 0.02).

Labcorp Genetics (formerly Invitae), Labcorp
Classification: Likely benign for Hereditary breast ovarian cancer syndrome. Last evaluated: 2020-03-08. Review status: criteria provided, single submitter. Criteria: Invitae Variant Classification Sherloc (09022015). Collection method: clinical testing. Allele origin: germline. Not counted in ClinVar's aggregate classification.

Ambry Genetics
Classification: Likely benign for Hereditary cancer-predisposing syndrome. Last evaluated: 2015-01-02. Review status: criteria provided, single submitter. Criteria: Ambry Variant Classification Scheme 2023. Collection method: clinical testing. Allele origin: germline. Not counted in ClinVar's aggregate classification.

NM_000059.4(BRCA2):c.2415T>C (p.Ser805=)

Gene: BRCA2 (BRCA2 DNA repair associated; plus strand). Cytogenetic location: 13q13.1.
Variant type: single nucleotide variant.
Coding change: c.2415T>C on transcript NM_000059.4 (MANE Select); coding-DNA position 2415, T replaced by C.
Protein change: p.Ser805=; no amino-acid change (serine 805 retained).
Molecular consequence: synonymous variant.
Genome position (GRCh38, 1-based): chr13:32,336,770, T>C. VCF-style: chr13-32336770-T-C. GRCh37 (hg19) VCF-style: chr13-32910907-T-C.
Identifiers: ClinVar variation 229986 (VCV000229986.16), dbSNP rs876658319, ClinGen allele CA10579535.
Genomic context (GRCh38, chr13:32,336,770, plus strand): 5'-TTCTAGAGGCAAAGAATCATACAAAATGTCAGACAAGCTCAAAGGTAACAATTATGAATC[T>C]GATGTTGAATTAACCAAAAATATTCCCATGGAAAAGAATCAAGATGTATGTGCTTTAAAT-3'
Protein context (NP_000050.3, residues 795-815): SDKLKGNNYE[Ser805=]DVELTKNIPM